The following is an entry in ClinVar:

NM_212482.4(FN1):c.3176C>T (p.Ala1059Val)

Gene: FN1 (fibronectin 1; minus strand). Cytogenetic location: 2q35.
Variant type: single nucleotide variant.
Coding change: c.3176C>T on transcript NM_212482.4 (MANE Select); coding-DNA position 3176, C replaced by T.
Protein change: p.Ala1059Val; replaces alanine 1059 with valine.
Molecular consequence: missense variant.
Genome position (GRCh38, 1-based): chr2:215,404,466, G>A on the plus strand (C>T on the coding strand, the complement: FN1 is on the minus strand). VCF-style: chr2-215404466-G-A. GRCh37 (hg19) VCF-style: chr2-216269189-G-A.
Other names: c.3176C>T, p.Ala1059Val (NM_001306129.2, NM_001306130.2, NM_001306131.2 and 13 more transcripts); short protein forms A1059V.
Identifiers: ClinVar variation 2844199 (VCV002844199.3), dbSNP rs766964392, ClinGen allele CA350489215.

ClinVar aggregate classification (germline): Uncertain significance (1 of 4 stars; one submission).

Submission:

Labcorp Genetics (formerly Invitae), Labcorp
Classification: Uncertain significance. Last evaluated: 2023-03-08. Review status: criteria provided, single submitter. Criteria: Invitae Variant Classification Sherloc (09022015). Collection method: clinical testing. Allele origin: germline.
Comment: This variant has not been reported in the literature in individuals affected with FN1-related conditions. Advanced modeling of protein sequence and biophysical properties (such as structural, functional, and spatial information, amino acid conservation, physicochemical variation, residue mobility, and thermodynamic stability) performed at Invitae indicates that this missense variant is not expected to disrupt FN1 protein function. In summary, the available evidence is currently insufficient to determine the role of this variant in disease. Therefore, it has been classified as a Variant of Uncertain Significance. This sequence change replaces alanine, which is neutral and non-polar, with valine, which is neutral and non-polar, at codon 1059 of the FN1 protein (p.Ala1059Val). This variant is not present in population databases (gnomAD no frequency).